The following is an entry in ClinVar:

NM_006950.3(SYN1):c.1284T>C (p.Pro428=)

Gene: SYN1 (synapsin I; minus strand). Cytogenetic location: Xp11.3.
Variant type: single nucleotide variant.
Coding change: c.1284T>C on transcript NM_006950.3 (MANE Select); coding-DNA position 1284, T replaced by C.
Protein change: p.Pro428=; no amino-acid change (proline 428 retained).
Molecular consequence: synonymous variant.
Genome position (GRCh38, 1-based): chrX:47,575,149, A>G on the plus strand (T>C on the coding strand, the complement: SYN1 is on the minus strand). VCF-style: chrX-47575149-A-G. GRCh37 (hg19) VCF-style: chrX-47434548-A-G.
Other names: c.1284T>C, p.Pro428= (NM_133499.2).
Identifiers: ClinVar variation 3234614 (VCV003234614.20), dbSNP rs1049183696, ClinGen allele CA329057746.
Genomic context (GRCh38, chrX:47,575,149, plus strand): 5'-CACTAGCTCAAGCCACTAGCTCAGCGCCAGGGGCCTGACCTGGCCATGGGAGCCCCTGCC[A>G]GGGGAGGCATCCCGCTGTCGCTGCCGGGGCAGGGCCTGAGCCATCTTGTTGACCACGAGC-3'
Protein context (NP_008881.2, residues 418-438): LPRQRQRDAS[Pro428=]GRGSHGQTPS

ClinVar aggregate classification (germline): Likely benign (1 of 4 stars; one submission).

Allele frequency attached by ClinVar (database versions not stated): gnomAD exomes below 0.00001; gnomAD 0.00001.
gnomAD v4.1: 2 of 1,189,527 alleles (0.00017%); highest among the groups gnomAD compares: South Asian, 0.0018%; no homozygotes.

Submission:

CeGaT Center for Human Genetics Tuebingen
Classification: Likely benign. Last evaluated: 2024-04-01. Review status: criteria provided, single submitter. Criteria: CeGaT Center For Human Genetics Tuebingen Variant Classification Criteria Version 2. Collection method: clinical testing. Allele origin: germline. Affected: yes. Observed: 1 variant allele.
Comment: SYN1: BP4, BP7